The following is an entry in ClinVar:

NC_000017.11:g.(?_61683286)_(61693522_?)del

Gene: BRIP1 (BRCA1 interacting DNA helicase 1; minus strand). Cytogenetic location: 17q23.2.
Variant type: Deletion.
Identifiers: ClinVar variation 649056 (VCV000649056.3).

ClinVar aggregate classification (germline): Pathogenic (1 of 4 stars; one submission).

Conditions:
Familial cancer of breast. Also called: hereditary breast carcinoma; BREAST CANCER, FAMILIAL; Hereditary breast cancer. Identifiers: Orphanet 227535, MedGen C0346153, MONDO:0016419, OMIM 114480. Disease mechanism: loss of function.
Fanconi anemia complementation group J. Also called: BRIP1-Related Fanconi Anemia. Identifiers: Orphanet 84, MedGen C1836860, MONDO:0012187, OMIM 609054.

Submission:

Labcorp Genetics (formerly Invitae), Labcorp
Classification: Pathogenic for Hereditary Breast Carcinoma; Fanconi anemia, complementation group J. Last evaluated: 2019-03-03. Review status: criteria provided, single submitter. Criteria: Invitae Variant Classification Sherloc (09022015). Collection method: clinical testing. Allele origin: germline.
Comment: This variant is a gross deletion of the genomic region encompassing exons 18-20 of the BRIP1 gene. The 5' boundary is likely confined to intron 17. The 3' end of this event is unknown as it extends through the termination codon beyond the assayed region for this gene and may encompass additional genes. While this deletion is not anticipated to result in nonsense mediated decay, it is expected to create a truncated protein product or disrupt mRNA translation. This variant has not been reported in the literature in individuals with BRIP1-related disease. This truncation affects the TopBP1-binding region (residues 1130-1153) of the BRIP1 protein. It is expected to disrupt the TopBP1-BRIP1 interaction that plays a critical role on RPA chromatin loading following DNA replication stress and the subsequent activation of the replication checkpoint in response to DNA damage (PMID: 20159562, 21127055). A truncating variant (p.Lys998Glufs*60) that lies downstream of this deletion has been determined to be pathogenic (PMID: 18628483, 26921362). This suggests that deletion of this region of the BRIP1 protein is causative of disease. For these reasons, this variant has been classified as Pathogenic.

Literature cited by the submitters: PubMed 20159562; PubMed 21127055; PubMed 18628483; PubMed 26921362.